The following is an entry in ClinVar:

NM_021942.6(TRAPPC11):c.3075dup (p.Val1026fs)

Gene: TRAPPC11 (trafficking protein particle complex subunit 11; plus strand). Cytogenetic location: 4q35.1.
Variant type: Duplication.
Coding change: c.3075dup on transcript NM_021942.6 (MANE Select); coding-DNA position 3075, one base duplicated (T; older notation c.3075dupT).
Protein change: p.Val1026fs; shifts the reading frame from valine 1026.
Molecular consequence: frameshift variant.
Genome position (GRCh38, 1-based): chr4:183,706,826, T duplicated. VCF-style (leftmost placement, unchanged base first): chr4-183706825-G-GT. GRCh37 (hg19) VCF-style: chr4-184627978-G-GT.
Other names: c.3075dup, p.Val1026fs (NM_199053.3); short protein forms V1026fs.
Identifiers: ClinVar variation 4808892 (VCV004808892.1).
Genomic context (GRCh38, chr4:183,706,825, plus strand): 5'-CTATTTTTTAAACCAAGAGAAGTGTGTCATCTTTCTCTGTAGATCTGCCGTCATTTGGGC[G>GT]TGTCAGAGAGTCGTTACCTGTCAAGTATCACCTACAGAATAAGACCGACTTAGTTCAAGA-3'

ClinVar aggregate classification (germline): Pathogenic (1 of 4 stars; one submission).

Conditions:
Autosomal recessive limb-girdle muscular dystrophy type R18 (LGMDR18). Also called: MUSCULAR DYSTROPHY, LIMB-GIRDLE, AUTOSOMAL RECESSIVE 18; Autosomal recessive limb-girdle muscular dystrophy type 2S; Limb-girdle muscular dystrophy, type 2S. Identifiers: Orphanet 369840, MedGen C4517996, MONDO:0014144, OMIM 615356.

Submission:

Labcorp Genetics (formerly Invitae), Labcorp
Classification: Pathogenic for Autosomal recessive limb-girdle muscular dystrophy type R18. Last evaluated: 2025-02-09. Review status: criteria provided, single submitter. Criteria: Invitae Variant Classification Sherloc (09022015). Collection method: clinical testing. Allele origin: germline.
Comment: This sequence change creates a premature translational stop signal (p.Val1026Cysfs*14) in the TRAPPC11 gene. It is expected to result in an absent or disrupted protein product. Loss-of-function variants in TRAPPC11 are known to be pathogenic (PMID: 23830518, 26322222). This variant is not present in population databases (gnomAD no frequency). This variant has not been reported in the literature in individuals affected with TRAPPC11-related conditions. For these reasons, this variant has been classified as Pathogenic.

Literature cited by the submitters: PubMed 23830518; PubMed 26322222.